The following is an entry in ClinVar:

ClinVar aggregate classification (germline): Benign (1 of 4 stars; one submission).

Conditions:
SEPN1-related disorder. Also called: SEPN1-Related Disorders. Identifiers: MedGen CN239420.

Allele frequency attached by ClinVar (database versions not stated): gnomAD 0.01369 and 0.01275; TOPMed 0.01463; 1000 Genomes Project 0.01518; 1000 Genomes Project 30x 0.01608.

Submission:

Illumina Laboratory Services, Illumina
Classification: Benign for SEPN1-Related Disorders. Last evaluated: 2018-01-12. Review status: criteria provided, single submitter. Criteria: ICSL Variant Classification Criteria 13 December 2019. Collection method: clinical testing. Allele origin: germline.
Comment: This variant was observed in the ICSL laboratory as part of a predisposition screen in an ostensibly healthy population. It had not been previously curated by ICSL or reported in the Human Gene Mutation Database (HGMD: prior to June 1st, 2018), and was therefore a candidate for classification through an automated scoring system. Utilizing variant allele frequency, disease prevalence and penetrance estimates, and inheritance mode, an automated score was calculated to assess if this variant is too frequent to cause the disease. Based on the score and internal cut-off values, a variant classified as benign is not then subjected to further curation. The score for this variant resulted in a classification of benign for this disease.

NM_206926.2(SELENON):c.*1500G>A

Gene: SELENON (selenoprotein N; plus strand). Cytogenetic location: 1p36.11.
Variant type: single nucleotide variant.
Coding change: c.*1500G>A on transcript NM_206926.2 (MANE Select); 1500 bases downstream of the stop codon, G replaced by A.
Molecular consequence: 3 prime UTR variant.
Genome position (GRCh38, 1-based): chr1:25,817,218, G>A. VCF-style: chr1-25817218-G-A. GRCh37 (hg19) VCF-style: chr1-26143709-G-A.
Other names: c.*1500G>A (NM_020451.3).
Identifiers: ClinVar variation 297049 (VCV000297049.5), dbSNP rs116792929, ClinGen allele CA10610896.